The following is an entry in ClinVar:

NM_001130987.2(DYSF):c.1213_1250del (p.Gly405fs)

Gene: DYSF (dysferlin; plus strand). Cytogenetic location: 2p13.2.
Variant type: Deletion.
Coding change: c.1213_1250del on transcript NM_001130987.2 (MANE Select); coding-DNA positions 1213 to 1250, 38 bases deleted.
Protein change: p.Gly405fs; shifts the reading frame from glycine 405.
Molecular consequence: frameshift variant.
Genome position (GRCh38, 1-based): chr2:71,526,283-71,526,320, 38 bases deleted. GRCh37 (hg19): chr2:71,753,413-71,753,450.
Other names: c.1120_1157del, p.Gly374fs (NM_001130455.2, NM_001130983.2, NM_001130984.2 and 1 more transcripts); c.1117_1154del, p.Gly373fs (NM_001130976.2, NM_001130977.2, NM_001130978.2 and 1 more transcripts); c.1210_1247del, p.Gly404fs (NM_001130979.2, NM_001130980.2, NM_001130981.2); c.1213_1250del, p.Gly405fs (NM_001130982.2, NM_001130985.2); short protein forms G374fs, G373fs, G404fs, G405fs.
Identifiers: ClinVar variation 841065 (VCV000841065.7), dbSNP rs1474253061, ClinGen allele CA533256270.

ClinVar aggregate classification (germline): Pathogenic (1 of 4 stars; one submission).

Conditions:
Neuromuscular disease caused by qualitative or quantitative defects of dysferlin. Also called: Qualitative or quantitative defects of dysferlin; Dysferlinopathy. Identifiers: Orphanet 207073, MedGen C2931687, MONDO:0016145.

Allele frequency attached by ClinVar (database versions not stated): gnomAD exomes below 0.00001.

Submission:

Labcorp Genetics (formerly Invitae), Labcorp
Classification: Pathogenic for Neuromuscular disease caused by qualitative or quantitative defects of dysferlin. Last evaluated: 2024-08-04. Review status: criteria provided, single submitter. Criteria: Invitae Variant Classification Sherloc (09022015). Collection method: clinical testing. Allele origin: germline.
Comment: This sequence change creates a premature translational stop signal (p.Gly373Leufs*26) in the DYSF gene. It is expected to result in an absent or disrupted protein product. Loss-of-function variants in DYSF are known to be pathogenic (PMID: 17698709, 20301480). This variant is present in population databases (no rsID available, gnomAD 0.0009%). This variant has not been reported in the literature in individuals affected with DYSF-related conditions. ClinVar contains an entry for this variant (Variation ID: 841065). For these reasons, this variant has been classified as Pathogenic.

Literature cited by the submitters: PubMed 17698709; PubMed 20301480.